The following is an entry in ClinVar:

ClinVar aggregate classification (germline): Uncertain significance (1 of 4 stars; one submission).

Conditions:
Progressive myoclonic epilepsy type 5. Identifiers: Orphanet 402082, MedGen C5190799.

Allele frequency attached by ClinVar (database versions not stated): gnomAD exomes 0.00004; ExAC 0.00006.
gnomAD v4.1: 34 of 1,614,048 alleles (0.0021%); highest among the groups gnomAD compares: Non-Finnish European, 0.0028%; no homozygotes.

Submission:

Labcorp Genetics (formerly Invitae), Labcorp
Classification: Uncertain significance for Progressive myoclonic epilepsy type 5. Last evaluated: 2025-11-24. Review status: criteria provided, single submitter. Criteria: Invitae Variant Classification Sherloc (09022015). Collection method: clinical testing. Allele origin: germline.
Comment: This sequence change replaces glycine, which is neutral and non-polar, with aspartic acid, which is acidic and polar, at codon 560 of the PRICKLE2 protein (p.Gly560Asp). This variant is present in population databases (rs749378051, gnomAD 0.008%). This variant has not been reported in the literature in individuals affected with PRICKLE2-related conditions. ClinVar contains an entry for this variant (Variation ID: 947520). An algorithm developed to predict the effect of missense changes on protein structure and function (PolyPhen-2) suggests that this variant is likely to be tolerated. In summary, the available evidence is currently insufficient to determine the role of this variant in disease. Therefore, it has been classified as a Variant of Uncertain Significance.

NM_198859.4(PRICKLE2):c.1679G>A (p.Gly560Asp)

Genes: PRICKLE2 (prickle planar cell polarity protein 2; minus strand), PRICKLE2-AS1 (PRICKLE2 antisense RNA 1; plus strand). Cytogenetic location: 3p14.1.
Variant type: single nucleotide variant.
Coding change: c.1679G>A on transcript NM_198859.4 (MANE Select); coding-DNA position 1679, G replaced by A.
Protein change: p.Gly560Asp; replaces glycine 560 with aspartic acid.
Molecular consequence: missense variant. On other transcripts: non-coding transcript variant (1).
Genome position (GRCh38, 1-based): chr3:64,099,907, C>T on the plus strand (G>A on the coding strand, the complement: PRICKLE2 is on the minus strand). VCF-style: chr3-64099907-C-T. GRCh37 (hg19) VCF-style: chr3-64085583-C-T.
Other names: c.1679G>A, p.Gly560Asp (NM_001370528.1); short protein forms G560D.
Identifiers: ClinVar variation 947520 (VCV000947520.7), dbSNP rs749378051, ClinGen allele CA2479561.